The following is an entry in ClinVar:

ClinVar aggregate classification (germline): Uncertain significance. Review status: criteria provided, multiple submitters, no conflicts (2 of 4 stars). 3 submissions from 3 submitters: Uncertain significance (3). Last evaluated 2025-10-05.

Conditions:
Nance-Horan syndrome (NHS). Identifiers: Orphanet 627, MedGen C0796085, MONDO:0010545, OMIM 302350.

Submissions (3):

Labcorp Genetics (formerly Invitae), Labcorp
Classification: Uncertain significance for Nance-Horan syndrome. Last evaluated: 2025-10-05. Review status: criteria provided, single submitter. Criteria: Invitae Variant Classification Sherloc (09022015). Collection method: clinical testing. Allele origin: germline.
Comment: This variant, c.348_350del, results in the deletion of 1 amino acid(s) of the NHS protein (p.Ala117del), but otherwise preserves the integrity of the reading frame. The frequency data for this variant in the population databases is considered unreliable, as metrics indicate poor data quality at this position in the gnomAD database. This variant has been observed in individual(s) with congenital cataracts (PMID: 37337769). Experimental studies and prediction algorithms are not available or were not evaluated, and the functional significance of this variant is currently unknown. In summary, the available evidence is currently insufficient to determine the role of this variant in disease. Therefore, it has been classified as a Variant of Uncertain Significance.

Genetic Services Laboratory, University of Chicago
Classification: Uncertain significance. Last evaluated: 2013-06-12. Review status: criteria provided, single submitter. Criteria: ACMG Guidelines, 2007. Collection method: clinical testing. Allele origin: germline. Inheritance: X-linked inheritance.

Breakthrough Genomics
Classification: Uncertain significance. Review status: criteria provided, single submitter. Criteria: ACMG Guidelines, 2015. Collection method: not provided. Allele origin: germline. Inheritance: X-linked inheritance. Affected: yes.

Literature cited by the submitters: PubMed 37337769 (cited by Labcorp Genetics (formerly Invitae), Labcorp).

NM_001291867.2(NHS):c.333GGC[5] (p.Ala117del)

Gene: NHS (NHS actin remodeling regulator; plus strand). Cytogenetic location: Xp22.2.
Variant type: Microsatellite.
Coding change: c.333GGC[5] on transcript NM_001291867.2 (MANE Select); five copies in a row of the 3-base unit GGC starting at c.333; the reference has six copies in a row; one copy, 3 bases deleted.
Protein change: p.Ala117del; deletes alanine 117.
Molecular consequence: inframe deletion.
Genome position (GRCh38, 1-based): chrX:17,376,105-17,376,107, GGC deleted; deleting any 3 consecutive bases within chrX:17,376,089-17,376,107 gives the same sequence; the position shown is the placement nearest the transcript's 3' end. VCF-style (leftmost placement, unchanged base first): chrX-17376088-TCGG-T. GRCh37 (hg19) VCF-style: chrX-17394211-TCGG-T.
Other names: c.333GGC[5], p.Ala117del (NM_198270.4); short protein forms A117del.
Identifiers: ClinVar variation 129770 (VCV000129770.11), dbSNP rs587780401, ClinGen allele CA231327.